The following is an entry in ClinVar:

ClinVar aggregate classification (germline): Uncertain significance (1 of 4 stars; one submission).

Conditions:
Renal cell carcinoma. Identifiers: Orphanet 217071, MedGen C0007134, MeSH D002292, MONDO:0005086, HP:0005584.

Submission:

Labcorp Genetics (formerly Invitae), Labcorp
Classification: Uncertain significance for Renal cell carcinoma. Last evaluated: 2025-09-21. Review status: criteria provided, single submitter. Criteria: Invitae Variant Classification Sherloc (09022015). Collection method: clinical testing. Allele origin: germline.
Comment: This sequence change replaces methionine, which is neutral and non-polar, with threonine, which is neutral and polar, at codon 1210 of the MET protein (p.Met1210Thr). This variant is not present in population databases (gnomAD no frequency). This variant has not been reported in the literature in individuals affected with MET-related conditions. Invitae Evidence Modeling of protein sequence and biophysical properties (such as structural, functional, and spatial information, amino acid conservation, physicochemical variation, residue mobility, and thermodynamic stability) indicates that this missense variant is expected to disrupt MET protein function with a positive predictive value of 80%. In summary, the available evidence is currently insufficient to determine the role of this variant in disease. Therefore, it has been classified as a Variant of Uncertain Significance.

NM_000245.4(MET):c.3575T>C (p.Met1192Thr)

Gene: MET (MET proto-oncogene, receptor tyrosine kinase; plus strand). Cytogenetic location: 7q31.2.
Variant type: single nucleotide variant.
Coding change: c.3575T>C on transcript NM_000245.4 (MANE Select); coding-DNA position 3575, T replaced by C.
Protein change: p.Met1192Thr; replaces methionine 1192 with threonine.
Molecular consequence: missense variant.
Genome position (GRCh38, 1-based): chr7:116,782,040, T>C. VCF-style: chr7-116782040-T-C. GRCh37 (hg19) VCF-style: chr7-116422094-T-C.
Other names: c.3629T>C, p.Met1210Thr (NM_001127500.3); c.2285T>C, p.Met762Thr (NM_001324402.2); short protein forms M1192T, M762T, M1210T.
Identifiers: ClinVar variation 4732952 (VCV004732952.1).